The following is an entry in ClinVar:

ClinVar aggregate classification (germline): Pathogenic. Review status: criteria provided, multiple submitters, no conflicts (2 of 4 stars). 2 submissions from 2 submitters: Pathogenic (2). Last evaluated 2025-08-24.

Conditions:
Marfan syndrome (MFS). Also called: MARFAN SYNDROME, TYPE I; FBN1-Related Marfan Syndrome; Marfan syndrome, classic; Marfan syndrome type 1; Marfan's syndrome. Identifiers: Orphanet 284963, Orphanet 558, MedGen C0024796, MONDO:0007947, OMIM 154700.
Familial thoracic aortic aneurysm and aortic dissection (TAAD). Also called: Thoracic aortic aneurysms and dissections. Identifiers: Orphanet 91387, MedGen C4707243, MONDO:0019625.

Submissions (2):

Labcorp Genetics (formerly Invitae), Labcorp
Classification: Pathogenic for Marfan syndrome; Familial thoracic aortic aneurysm and aortic dissection. Last evaluated: 2025-08-24. Review status: criteria provided, single submitter. Criteria: Invitae Variant Classification Sherloc (09022015). Collection method: clinical testing. Allele origin: germline.
Comment: This sequence change creates a premature translational stop signal (p.Leu2534Cysfs*148) in the FBN1 gene. It is expected to result in an absent or disrupted protein product. Loss-of-function variants in FBN1 are known to be pathogenic (PMID: 17657824, 19293843). This variant is not present in population databases (gnomAD no frequency). This variant has not been reported in the literature in individuals affected with FBN1-related conditions. ClinVar contains an entry for this variant (Variation ID: 200172). For these reasons, this variant has been classified as Pathogenic.

GeneDx
Classification: Pathogenic. Last evaluated: 2014-08-18. Review status: criteria provided, single submitter. Criteria: GeneDx Variant Classification (06012015). Collection method: clinical testing. Allele origin: germline. Affected: yes.
Comment: Although the c.7599delT mutation in the FBN1 gene has not been reported to our knowledge, this mutation causes a shift in reading frame starting at codon Leucine 2534, changing it to a Cysteine, and creating a premature stop codon at position 148 of the new reading frame, denoted p.Leu2534CysfsX148. This mutation is expected to result in either an abnormal, truncated protein product or loss of protein from this allele through nonsense-mediated mRNA decay. Other frameshift mutations in the FBN1 gene have been reported in association with Marfan syndrome. In summary, c.7599delT in the FBN1 gene is interpreted as a disease-causing mutation.

Literature cited by the submitters: PubMed 17657824 (cited by Labcorp Genetics (formerly Invitae), Labcorp); PubMed 19293843 (cited by Labcorp Genetics (formerly Invitae), Labcorp).

NM_000138.5(FBN1):c.7599del (p.Leu2534fs)

Gene: FBN1 (fibrillin 1; minus strand). Cytogenetic location: 15q21.1.
Variant type: Deletion.
Coding change: c.7599del on transcript NM_000138.5 (MANE Select); coding-DNA position 7599, one base deleted (T; older notation c.7599delT).
Protein change: p.Leu2534fs; shifts the reading frame from leucine 2534.
Molecular consequence: frameshift variant.
Genome position (GRCh38, 1-based): chr15:48,421,658, A deleted on the plus strand (T on the coding strand, the reverse complement: FBN1 is on the minus strand). VCF-style (leftmost placement, unchanged base first): chr15-48421657-GA-G. GRCh37 (hg19) VCF-style: chr15-48713854-GA-G.
Other names: c.7599delT (NM_000138.4); short protein forms L2534fs.
Identifiers: ClinVar variation 200172 (VCV000200172.3), dbSNP rs794728320, ClinGen allele CA017276.
Genomic context (GRCh38, chr15:48,421,657, plus strand): 5'-GCTGGCATTCACAGGTGAAGCTTCCAGGAGTGTTCTGGCAAATGCCCTTAGACCCGCACA[GA>G]TTGATGTCAGAGGTGCATTCATTGTTATCTATGAGAAGCAGTGGGGGCAAAGAGGGGTTA-3'